The following is an entry in ClinVar:

NM_001386795.1(DTNA):c.*2627G>A

Gene: DTNA (dystrobrevin alpha; plus strand). Cytogenetic location: 18q12.1.
Variant type: single nucleotide variant.
Coding change: c.*2627G>A on transcript NM_001386795.1 (MANE Select); 2627 bases downstream of the stop codon, G replaced by A.
Molecular consequence: 3 prime UTR variant. On other transcripts: missense variant (2).
Genome position (GRCh38, 1-based): chr18:34,890,361, G>A. VCF-style: chr18-34890361-G-A. GRCh37 (hg19) VCF-style: chr18-32470325-G-A.
Other names: p.R699H:CGT>CAT; c.2096G>A, p.Arg699His (NM_001198938.2, NM_001386753.1); c.*2627G>A (NM_001198939.2, NM_001198940.2, NM_001198942.1 and 12 more transcripts); c.*93G>A (NM_001386755.1, NM_001386756.1, NM_001386759.1 and 7 more transcripts); short protein forms R699H.
Identifiers: ClinVar variation 201764 (VCV000201764.18), dbSNP rs769729466, ClinGen allele CA335123.

ClinVar aggregate classification (germline): Conflicting classifications of pathogenicity. Review status: criteria provided, conflicting classifications (1 of 4 stars). 3 submissions from 3 submitters: Uncertain significance (2); Likely benign (1). Last evaluated 2026-06-08.

Conditions:
DTNA-related disorder. Also called: DTNA-related condition.

Allele frequency attached by ClinVar (database versions not stated): TOPMed 0.00011; gnomAD 0.00012 and 0.00013; 1000 Genomes Project 30x 0.00016.
gnomAD v4.1: 96 of 1,536,116 alleles (0.0062%); highest among the groups gnomAD compares: Non-Finnish European, 0.0061%; no homozygotes.

Submissions (3):

PreventionGenetics, part of Exact Sciences
Classification: Uncertain significance for DTNA-related condition. Last evaluated: 2026-06-08. Review status: criteria provided, single submitter. Criteria: ACMG Guidelines, 2015. Collection method: clinical testing. Allele origin: germline.
Comment: The DTNA c.2096G>A variant is predicted to result in the amino acid substitution p.Arg699His. To our knowledge, this variant has not been reported in the literature. This variant is reported in 0.045% of alleles in individuals of European (Finnish) descent in gnomAD. Although we suspect that this variant may be benign, at this time, the clinical significance of this variant is uncertain due to the absence of conclusive functional and genetic evidence.

CeGaT Center for Human Genetics Tuebingen
Classification: Uncertain significance. Last evaluated: 2024-08-01. Review status: criteria provided, single submitter. Criteria: CeGaT Center For Human Genetics Tuebingen Variant Classification Criteria Version 2. Collection method: clinical testing. Allele origin: germline. Affected: yes. Observed: 1 variant allele.

GeneDx
Classification: Likely benign. Last evaluated: 2014-04-14. Review status: criteria provided, single submitter. Criteria: GeneDx Variant Classification (06012015). Collection method: clinical testing. Allele origin: germline. Affected: yes.
Comment: This variant is considered likely benign or benign based on one or more of the following criteria: it is a conservative change, it occurs at a poorly conserved position in the protein, it is predicted to be benign by multiple in silico algorithms, and/or has population frequency not consistent with disease.